The following is an entry in ClinVar:

ClinVar aggregate classification (germline): Uncertain significance (1 of 4 stars; one submission).

Submission:

GeneDx
Classification: Uncertain significance. Last evaluated: 2023-02-22. Review status: criteria provided, single submitter. Criteria: GeneDx Variant Classification Process June 2021. Collection method: clinical testing. Allele origin: germline. Affected: yes.
Comment: Canonical splice site variant in a gene or region of a gene for which loss of function is not a well-established mechanism of disease; Not observed at significant frequency in large population cohorts (gnomAD); Has not been previously published as pathogenic or benign to our knowledge

NM_002971.6(SATB1):c.-24-2A>G

Gene: SATB1 (SATB homeobox 1; minus strand). Cytogenetic location: 3p24.3.
Variant type: single nucleotide variant.
Coding change: c.-24-2A>G on transcript NM_002971.6 (MANE Select); the canonical splice acceptor site of the intron before 24 bases upstream of the start codon, A replaced by G.
Molecular consequence: splice acceptor variant. On other transcripts: intron variant (1).
Genome position (GRCh38, 1-based): chr3:18,420,993, T>C on the plus strand (A>G on the coding strand, the complement: SATB1 is on the minus strand). VCF-style: chr3-18420993-T-C. GRCh37 (hg19) VCF-style: chr3-18462485-T-C.
Other names: c.-24-2A>G (NM_001322874.2, NM_001322872.2, NM_001322873.2 and 4 more transcripts); c.-5-3915A>G (NM_001322876.2).
Identifiers: ClinVar variation 2577709 (VCV002577709.1), dbSNP rs2470828425, ClinGen allele CA2580617513.